The following is an entry in ClinVar:

NM_000246.4(CIITA):c.452T>C (p.Leu151Pro)

Gene: CIITA (class II major histocompatibility complex transactivator; plus strand). Cytogenetic location: 16p13.13.
Variant type: single nucleotide variant.
Coding change: c.452T>C on transcript NM_000246.4 (MANE Select); coding-DNA position 452, T replaced by C.
Protein change: p.Leu151Pro; replaces leucine 151 with proline.
Molecular consequence: missense variant. On other transcripts: non-coding transcript variant (1).
Genome position (GRCh38, 1-based): chr16:10,901,529, T>C. VCF-style: chr16-10901529-T-C. GRCh37 (hg19) VCF-style: chr16-10995386-T-C.
Other names: c.455T>C, p.Leu152Pro (NM_001286402.1, NM_001379330.1, NM_001379332.1); c.452T>C, p.Leu151Pro (NM_001286403.2, NM_001379331.1, NM_001379333.1); c.383T>C, p.Leu128Pro (NM_001379334.1); short protein forms L128P, L151P, L152P.
Identifiers: ClinVar variation 1429406 (VCV001429406.3), dbSNP rs373022799, ClinGen allele CA7899731.

ClinVar aggregate classification (germline): Uncertain significance (1 of 4 stars; one submission).

Conditions:
MHC class II deficiency. Also called: BLS, TYPE II; Bare lymphocyte syndrome 2. Identifiers: Orphanet 572, MedGen C5447452, MONDO:0008855.

Allele frequency attached by ClinVar (database versions not stated): gnomAD exomes below 0.00001 and 0.00001; ExAC 0.00001; gnomAD 0.00003; TOPMed 0.00003; ESP Exome Variant Server 0.00008.
gnomAD v4.1: 10 of 1,613,958 alleles (0.00062%); highest among the groups gnomAD compares: Admixed American, 0.0033%; no homozygotes.

Submission:

Labcorp Genetics (formerly Invitae), Labcorp
Classification: Uncertain significance for MHC class II deficiency. Last evaluated: 2021-11-13. Review status: criteria provided, single submitter. Criteria: Invitae Variant Classification Sherloc (09022015). Collection method: clinical testing. Allele origin: germline.
Comment: This sequence change replaces leucine, which is neutral and non-polar, with proline, which is neutral and non-polar, at codon 151 of the CIITA protein (p.Leu151Pro). This variant is present in population databases (rs373022799, gnomAD 0.0009%). This variant has not been reported in the literature in individuals affected with CIITA-related conditions. Algorithms developed to predict the effect of missense changes on protein structure and function (SIFT, PolyPhen-2, Align-GVGD) all suggest that this variant is likely to be tolerated. In summary, the available evidence is currently insufficient to determine the role of this variant in disease. Therefore, it has been classified as a Variant of Uncertain Significance.